The following is an entry in ClinVar:

NM_004104.5(FASN):c.3511C>G (p.Arg1171Gly)

Gene: FASN (fatty acid synthase; minus strand). Cytogenetic location: 17q25.3.
Variant type: single nucleotide variant.
Coding change: c.3511C>G on transcript NM_004104.5 (MANE Select); coding-DNA position 3511, C replaced by G.
Protein change: p.Arg1171Gly; replaces arginine 1171 with glycine.
Molecular consequence: missense variant.
Genome position (GRCh38, 1-based): chr17:82,086,475, G>C on the plus strand (C>G on the coding strand, the complement: FASN is on the minus strand). VCF-style: chr17-82086475-G-C. GRCh37 (hg19) VCF-style: chr17-80044351-G-C.
Other names: short protein forms R1171G.
Identifiers: ClinVar variation 2883201 (VCV002883201.3), dbSNP rs754866865, ClinGen allele CA401552353.

ClinVar aggregate classification (germline): Uncertain significance (1 of 4 stars; one submission).

Conditions:
Epileptic encephalopathy. Identifiers: MedGen C0543888, HP:0200134.

Submission:

Labcorp Genetics (formerly Invitae), Labcorp
Classification: Uncertain significance for Epileptic encephalopathy. Last evaluated: 2022-11-23. Review status: criteria provided, single submitter. Criteria: Invitae Variant Classification Sherloc (09022015). Collection method: clinical testing. Allele origin: germline.
Comment: This variant is not present in population databases (gnomAD no frequency). In summary, the available evidence is currently insufficient to determine the role of this variant in disease. Therefore, it has been classified as a Variant of Uncertain Significance. Algorithms developed to predict the effect of missense changes on protein structure and function (SIFT, PolyPhen-2, Align-GVGD) all suggest that this variant is likely to be tolerated. This variant has not been reported in the literature in individuals affected with FASN-related conditions. This sequence change replaces arginine, which is basic and polar, with glycine, which is neutral and non-polar, at codon 1171 of the FASN protein (p.Arg1171Gly).